The following is an entry in ClinVar:

ClinVar aggregate classification (germline): Conflicting classifications of pathogenicity. Review status: criteria provided, conflicting classifications (1 of 4 stars). 4 submissions from 4 submitters: Uncertain significance (1); Likely benign (3). Last evaluated 2026-01-14.

Conditions:
USH2A-related disorder. Also called: USH2A-related condition; USH2A-related disorders. Identifiers: MedGen CN239332.

Allele frequency attached by ClinVar (database versions not stated): gnomAD exomes 0.00002 and 0.00003; ExAC 0.00003; gnomAD 0.00003 and 0.00004; TOPMed 0.00005; ESP Exome Variant Server 0.00015.
gnomAD v4.1: 33 of 1,613,500 alleles (0.002%); highest among the groups gnomAD compares: East Asian, 0.0045%; no homozygotes.

Submissions (4):

Labcorp Genetics (formerly Invitae), Labcorp
Classification: Likely benign. Last evaluated: 2026-01-14. Review status: criteria provided, single submitter. Criteria: Invitae Variant Classification Sherloc (09022015). Collection method: clinical testing. Allele origin: germline.

PreventionGenetics, part of Exact Sciences
Classification: Likely benign for USH2A-related condition. Last evaluated: 2025-04-24. Review status: criteria provided, single submitter. Criteria: ACMG Guidelines, 2015. Collection method: clinical testing. Allele origin: germline.
Comment: This variant is classified as likely benign based on ACMG/AMP sequence variant interpretation guidelines (Richards et al. 2015 PMID: 25741868, with internal and published modifications).

Blueprint Genetics
Classification: Likely benign. Last evaluated: 2023-10-12. Review status: criteria provided, single submitter. Criteria: ACMG Guidelines, 2015. Collection method: clinical testing. Allele origin: germline.

Eurofins Ntd Llc (ga)
Classification: Uncertain significance. Last evaluated: 2013-10-25. Review status: criteria provided, single submitter. Criteria: EGL Classification Definitions 2015. Collection method: clinical testing. Allele origin: germline. Observed: 1 variant allele, 1 heterozygote.

NM_206933.4(USH2A):c.8856C>T (p.Asp2952=)

Gene: USH2A (usherin; minus strand). Cytogenetic location: 1q41.
Variant type: single nucleotide variant.
Coding change: c.8856C>T on transcript NM_206933.4 (MANE Select); coding-DNA position 8856, C replaced by T.
Protein change: p.Asp2952=; no amino-acid change (aspartic acid 2952 retained).
Molecular consequence: synonymous variant.
Genome position (GRCh38, 1-based): chr1:215,846,023, G>A on the plus strand (C>T on the coding strand, the complement: USH2A is on the minus strand). VCF-style: chr1-215846023-G-A. GRCh37 (hg19) VCF-style: chr1-216019365-G-A.
Identifiers: ClinVar variation 96668 (VCV000096668.16), dbSNP rs149306655, ClinGen allele CA224402.